The following is an entry in ClinVar:

ClinVar aggregate classification (germline): Likely benign. Review status: criteria provided, multiple submitters, no conflicts (2 of 4 stars). 3 submissions from 3 submitters: Likely benign (3). Last evaluated 2026-01-16.

Conditions:
Cardiovascular phenotype. Identifiers: MedGen CN230736.
Hypertrophic cardiomyopathy 14. Identifiers: MedGen C2750467, MONDO:0013197, OMIM 613251.

Allele frequency attached by ClinVar (database versions not stated): gnomAD below 0.00001 and 0.00007; gnomAD exomes 0.00018 and 0.00009; ExAC 0.00027; TOPMed 0.00002; 1000 Genomes Project 30x 0.00047; 1000 Genomes Project 0.00060.

Submissions (3):

Labcorp Genetics (formerly Invitae), Labcorp
Classification: Likely benign for Hypertrophic cardiomyopathy 14. Last evaluated: 2026-01-16. Review status: criteria provided, single submitter. Criteria: Invitae Variant Classification Sherloc (09022015). Collection method: clinical testing. Allele origin: germline.

Women's Health and Genetics/Laboratory Corporation of America, LabCorp
Classification: Likely benign. Last evaluated: 2023-02-20. Review status: criteria provided, single submitter. Criteria: LabCorp Variant Classification Summary - May 2015. Collection method: clinical testing. Allele origin: germline.
Comment: Variant summary: MYH6 c.1243G>A (p.Gly415Arg) results in a non-conservative amino acid change located in the Myosin head, motor domain (IPR001609) of the encoded protein sequence. Five of five in-silico tools predict a damaging effect of the variant on protein function. The variant allele was found at a frequency of 0.00018 in 251480 control chromosomes, predominantly at a frequency of 0.0015 within the South Asian subpopulation in the gnomAD database, including 1 homozygote. The observed variant frequency within South Asian control individuals in the gnomAD database is approximately 60-fold of the estimated maximal expected allele frequency for a pathogenic variant in MYH6 causing Cardiomyopathy phenotype (2.5e-05), strongly suggesting that the variant is a benign polymorphism found primarily in populations of South Asian origin. c.1243G>A has been reported in the literature in a proband affected with mitral valve prolapse and dilated cardiomyopathy, and segregated in a relative with Barlows disease and another relative with sudden cardiac death (van Wijngaarden_2020). This report does not provide unequivocal conclusions about association of the variant with Cardiomyopathy. A co-occurrence with a pathogenic variant has been reported via internal testing (MYBPC3 c.2827C>T, p.Arg943X), providing supporting evidence for a benign role. To our knowledge, no experimental evidence demonstrating an impact on protein function has been reported. Two clinical diagnostic laboratories have submitted clinical-significance assessments for this variant to ClinVar after 2014 and classified the variant as likely benign. Based on the evidence outlined above, the variant was classified as likely benign.

Ambry Genetics
Classification: Likely benign for Cardiovascular phenotype. Last evaluated: 2022-06-07. Review status: criteria provided, single submitter. Criteria: Ambry Variant Classification Scheme 2023. Collection method: clinical testing. Allele origin: germline.

Literature cited by the submitters: PubMed 32277046 (cited by Women's Health and Genetics/Laboratory Corporation of America, LabCorp).

NM_002471.4(MYH6):c.1243G>A (p.Gly415Arg)

Gene: MYH6 (myosin heavy chain 6; minus strand). Cytogenetic location: 14q11.2.
Variant type: single nucleotide variant.
Coding change: c.1243G>A on transcript NM_002471.4 (MANE Select); coding-DNA position 1243, G replaced by A.
Protein change: p.Gly415Arg; replaces glycine 415 with arginine.
Molecular consequence: missense variant.
Genome position (GRCh38, 1-based): chr14:23,400,876, C>T on the plus strand (G>A on the coding strand, the complement: MYH6 is on the minus strand). VCF-style: chr14-23400876-C-T. GRCh37 (hg19) VCF-style: chr14-23870085-C-T.
Other names: short protein forms G415R.
Identifiers: ClinVar variation 836546 (VCV000836546.12), dbSNP rs576432451, ClinGen allele CA7115853.
Genomic context (GRCh38, chr14:23,400,876, plus strand): 5'-TCTCATACACTGCCTTGGCCAGAGCCCCGATGGAGTAGTACACCTGCTGCACGCTCTGCC[C>T]CTTGGTGACATACTCGTTGCCCACTTTCACCCGAGGGTGGCACAGCCCCTTGAGCAGGTC-3'
Protein context (NP_002462.2, residues 405-425): VKVGNEYVTK[Gly415Arg]QSVQQVYYSI